The following is an entry in ClinVar:

ClinVar aggregate classification (germline): Uncertain significance. Review status: criteria provided, multiple submitters, no conflicts (2 of 4 stars). 2 submissions from 2 submitters: Uncertain significance (2). Last evaluated 2024-12-18.

Conditions:
Nemaline myopathy 2 (NEM2). Also called: Nemaline myopathy 2, autosomal recessive. Identifiers: MedGen C1850569, MONDO:0009725, OMIM 256030.

gnomAD v4.1: 20 of 1,613,694 alleles (0.0012%); highest among the groups gnomAD compares: Middle Eastern, 0.016%; no homozygotes.

Submissions (2):

GeneDx
Classification: Uncertain significance. Last evaluated: 2024-12-18. Review status: criteria provided, single submitter. Criteria: GeneDx Variant Classification Process June 2021. Collection method: clinical testing. Allele origin: germline. Affected: yes.
Comment: Not observed at significant frequency in large population cohorts (gnomAD); In silico analysis supports that this missense variant has a deleterious effect on protein structure/function; Has not been previously published as pathogenic or benign to our knowledge

Labcorp Genetics (formerly Invitae), Labcorp
Classification: Uncertain significance for Nemaline myopathy 2. Last evaluated: 2024-07-24. Review status: criteria provided, single submitter. Criteria: Invitae Variant Classification Sherloc (09022015). Collection method: clinical testing. Allele origin: germline.
Comment: This sequence change replaces aspartic acid, which is acidic and polar, with asparagine, which is neutral and polar, at codon 6495 of the NEB protein (p.Asp6495Asn). This variant is present in population databases (rs748977335, gnomAD 0.002%). This variant has not been reported in the literature in individuals affected with NEB-related conditions. Experimental studies and prediction algorithms are not available or were not evaluated, and the functional significance of this variant is currently unknown. In summary, the available evidence is currently insufficient to determine the role of this variant in disease. Therefore, it has been classified as a Variant of Uncertain Significance.

NM_001164508.2(NEB):c.19483G>A (p.Asp6495Asn)

Genes: NEB (nebulin; minus strand), LOC126806373 (BRD4-independent group 4 enhancer GRCh37_chr2:152410007-152411206; plus strand). Cytogenetic location: 2q23.3.
Variant type: single nucleotide variant.
Coding change: c.19483G>A on transcript NM_001164508.2 (MANE Select); coding-DNA position 19483, G replaced by A.
Protein change: p.Asp6495Asn; replaces aspartic acid 6495 with asparagine.
Molecular consequence: missense variant.
Genome position (GRCh38, 1-based): chr2:151,553,971, C>T on the plus strand (G>A on the coding strand, the complement: NEB is on the minus strand). VCF-style: chr2-151553971-C-T. GRCh37 (hg19) VCF-style: chr2-152410485-C-T.
Other names: c.19483G>A, p.Asp6495Asn (NM_001271208.2, NM_001164507.2); c.14380G>A, p.Asp4794Asn (NM_004543.5); short protein forms D6495N, D4794N.
Identifiers: ClinVar variation 3705581 (VCV003705581.3).